The following is an entry in ClinVar:

ClinVar aggregate classification (germline): Uncertain significance (1 of 4 stars; one submission).

Conditions:
Tuberous sclerosis 2 (TSC2). Identifiers: Orphanet 805, MedGen C1860707, MONDO:0013199, OMIM 613254.

Submission:

Labcorp Genetics (formerly Invitae), Labcorp
Classification: Uncertain significance for Tuberous sclerosis 2. Last evaluated: 2023-04-08. Review status: criteria provided, single submitter. Criteria: Invitae Variant Classification Sherloc (09022015). Collection method: clinical testing. Allele origin: germline.
Comment: In summary, the available evidence is currently insufficient to determine the role of this variant in disease. Therefore, it has been classified as a Variant of Uncertain Significance. Advanced modeling of protein sequence and biophysical properties (such as structural, functional, and spatial information, amino acid conservation, physicochemical variation, residue mobility, and thermodynamic stability) performed at Invitae indicates that this missense variant is not expected to disrupt TSC2 protein function. This variant has not been reported in the literature in individuals affected with TSC2-related conditions. This variant is not present in population databases (gnomAD no frequency). This sequence change replaces leucine, which is neutral and non-polar, with valine, which is neutral and non-polar, at codon 1022 of the TSC2 protein (p.Leu1022Val).

NM_000548.5(TSC2):c.3064C>G (p.Leu1022Val)

Gene: TSC2 (TSC complex subunit 2; plus strand). Cytogenetic location: 16p13.3.
Variant type: single nucleotide variant.
Coding change: c.3064C>G on transcript NM_000548.5 (MANE Select); coding-DNA position 3064, C replaced by G.
Protein change: p.Leu1022Val; replaces leucine 1022 with valine.
Molecular consequence: missense variant. On other transcripts: non-coding transcript variant (5).
Genome position (GRCh38, 1-based): chr16:2,079,129, C>G. VCF-style: chr16-2079129-C-G. GRCh37 (hg19) VCF-style: chr16-2129130-C-G.
Other names: c.1591C>G, p.Leu531Val (NM_001406693.1, NM_001406694.1, NM_001406690.1 and 1 more transcripts); c.1588C>G, p.Leu530Val (NM_001406695.1, NM_001406696.1, NM_001406697.1 and 1 more transcripts); c.2935C>G, p.Leu979Val (NM_021055.3, NM_001363528.2, NM_001370405.1); c.1330C>G, p.Leu444Val (NM_001406698.1); c.2932C>G, p.Leu978Val (NM_001077183.3, NM_001370404.1, NM_001406665.1); c.3064C>G, p.Leu1022Val (NM_001114382.3); c.2824C>G, p.Leu942Val (NM_001318827.2); c.2788C>G, p.Leu930Val (NM_001318829.2); and 18 more; short protein forms L1009V, L530V, L531V, L778V, L822V, L825V, L941V, L989V.
Identifiers: ClinVar variation 2853591 (VCV002853591.3), dbSNP rs2151433071, ClinGen allele CA394284459.
Genomic context (GRCh38, chr16:2,079,129, plus strand): 5'-TCTGCAGATGAGAACTCCGTGGCCCAGGCTGACGATAGCCTGAAAAACCTCCACCTGGAG[C>G]TCACGGAAACCTGTCTGGACATGATGGCTCGATACGTCTTCTCCAACTTCACGGCTGTCC-3'
Protein context (NP_000539.2, residues 1012-1032): DDSLKNLHLE[Leu1022Val]TETCLDMMAR